The following is an entry in ClinVar:

ClinVar aggregate classification (germline): Benign/Likely benign. Review status: criteria provided, multiple submitters, no conflicts (2 of 4 stars). 6 submissions from 6 submitters: Benign (3); Likely benign (3). Last evaluated 2025-11-06.

Conditions:
Parkinson disease 5, autosomal dominant, susceptibility to (PARK5). Also called: Parkinson disease 5, susceptibility to. Identifiers: Orphanet 2828, MedGen C3150899, MONDO:0013340, OMIM 613643.
Early-onset progressive neurodegeneration-blindness-ataxia-spasticity syndrome. Also called: Spastic paraplegia 79, autosomal recessive; SPASTIC PARAPLEGIA 79B, AUTOSOMAL RECESSIVE. Identifiers: Orphanet 352654, MedGen C3809665, MONDO:0014209, OMIM 615491.

Allele frequency attached by ClinVar (database versions not stated): gnomAD 0.00031 and 0.00045; gnomAD exomes 0.00031 and 0.00098; TOPMed 0.00061; ExAC 0.00108; 1000 Genomes Project 0.00200; 1000 Genomes Project 30x 0.00203.
gnomAD v4.1: 544 of 1,613,588 alleles (0.034%); highest among the groups gnomAD compares: East Asian, 0.93%; 1 homozygote.

Submissions (6):

Labcorp Genetics (formerly Invitae), Labcorp
Classification: Benign. Last evaluated: 2025-11-06. Review status: criteria provided, single submitter. Criteria: Invitae Variant Classification Sherloc (09022015). Collection method: clinical testing. Allele origin: germline.

Blueprint Genetics
Classification: Likely benign. Last evaluated: 2024-10-24. Review status: criteria provided, single submitter. Criteria: ACMG Guidelines, 2015. Collection method: clinical testing. Allele origin: germline.

CeGaT Center for Human Genetics Tuebingen
Classification: Likely benign. Last evaluated: 2024-10-01. Review status: criteria provided, single submitter. Criteria: CeGaT Center For Human Genetics Tuebingen Variant Classification Criteria Version 2. Collection method: clinical testing. Allele origin: germline. Affected: yes. Observed: 1 variant allele.
Comment: UCHL1: BP4, BP7

Fulgent Genetics
Classification: Likely benign for Parkinson disease 5, autosomal dominant, susceptibility to; Early-onset progressive neurodegeneration-blindness-ataxia-spasticity syndrome. Last evaluated: 2021-10-07. Review status: criteria provided, single submitter. Criteria: ACMG Guidelines, 2015. Collection method: clinical testing. Allele origin: unknown.

Illumina Laboratory Services, Illumina
Classification: Benign for Parkinson disease 5, autosomal dominant, susceptibility to. Last evaluated: 2018-01-13. Review status: criteria provided, single submitter. Criteria: ICSL Variant Classification Criteria 13 December 2019. Collection method: clinical testing. Allele origin: germline.
Comment: This variant was observed in the ICSL laboratory as part of a predisposition screen in an ostensibly healthy population. It had not been previously curated by ICSL or reported in the Human Gene Mutation Database (HGMD: prior to June 1st, 2018), and was therefore a candidate for classification through an automated scoring system. Utilizing variant allele frequency, disease prevalence and penetrance estimates, and inheritance mode, an automated score was calculated to assess if this variant is too frequent to cause the disease. Based on the score and internal cut-off values, a variant classified as benign is not then subjected to further curation. The score for this variant resulted in a classification of benign for this disease.

Breakthrough Genomics
Classification: Benign. Review status: criteria provided, single submitter. Criteria: ACMG Guidelines, 2015. Collection method: not provided. Allele origin: germline. Inheritance: Autosomal recessive inheritance. Affected: yes.

NM_004181.5(UCHL1):c.609A>G (p.Glu203=)

Gene: UCHL1 (ubiquitin C-terminal hydrolase L1; plus strand). Cytogenetic location: 4p13.
Variant type: single nucleotide variant.
Coding change: c.609A>G on transcript NM_004181.5 (MANE Select); coding-DNA position 609, A replaced by G.
Protein change: p.Glu203=; no amino-acid change (glutamic acid 203 retained).
Molecular consequence: synonymous variant.
Genome position (GRCh38, 1-based): chr4:41,268,010, A>G. VCF-style: chr4-41268010-A-G. GRCh37 (hg19) VCF-style: chr4-41270027-A-G.
Identifiers: ClinVar variation 348775 (VCV000348775.30), dbSNP rs147661219, ClinGen allele CA2900112.